The following is an entry in ClinVar:

ClinVar aggregate classification (germline): Conflicting classifications of pathogenicity. Review status: criteria provided, conflicting classifications (1 of 4 stars). 2 submissions from 2 submitters: Likely pathogenic (1); Uncertain significance (1). Last evaluated 2025-05-12.

Conditions:
Pheochromocytoma. Also called: MAX-Related Hereditary Paraganglioma-Pheochromocytoma Syndrome. Identifiers: Orphanet 29072, MedGen C0031511, MONDO:0008233, OMIM 171300, HP:0002666.
Pheochromocytoma/paraganglioma syndrome 4. Also called: CAROTID BODY TUMORS AND MULTIPLE EXTRAADRENAL PHEOCHROMOCYTOMAS; PARAGANGLIOMA, FAMILIAL MALIGNANT; PARAGANGLIOMAS, HEREDITARY EXTRAADRENAL; PHEOCHROMOCYTOMA, FAMILIAL EXTRAADRENAL; Paragangliomas 4; SDHB-Related Hereditary Paraganglioma-Pheochromocytoma Syndrome (Paragangliomas 4). Identifiers: Orphanet 29072, MedGen C1861848, MONDO:0007273, OMIM 115310.
Gastrointestinal stromal tumor. Also called: Gastrointestinal stroma tumor; Gastrointestinal stromal tumor, somatic. Identifiers: Orphanet 44890, MedGen C0238198, MeSH D046152, MONDO:0011719, OMIM 606764, HP:0100723.
Hereditary cancer-predisposing syndrome. Also called: Tumor predisposition; Hereditary Cancer Syndrome; Hereditary neoplastic syndrome; Neoplastic Syndromes, Hereditary. Identifiers: Orphanet 140162, MedGen C0027672, MeSH D009386, MONDO:0015356.

Submissions (2):

Ambry Genetics
Classification: Likely pathogenic for Hereditary cancer-predisposing syndrome. Last evaluated: 2025-05-12. Review status: criteria provided, single submitter. Criteria: Ambry Variant Classification Scheme 2023. Collection method: clinical testing. Allele origin: germline.
Comment: The p.C68R variant (also known as c.202T>C), located in coding exon 3 of the SDHB gene, results from a T to C substitution at nucleotide position 202. The cysteine at codon 68 is replaced by arginine, an amino acid with highly dissimilar properties. This variant was reported in individual(s) with features consistent with SDHB-related hereditary pheochromocytoma-paraganglioma (Ambry internal data). This amino acid position is highly conserved in available vertebrate species. In addition, this alteration is predicted to be deleterious by in silico analysis. Based on internal structural analysis, C68R is deleterious (Ambry internal data). This variant is considered to be rare based on population cohorts in the Genome Aggregation Database (gnomAD). Based on the majority of available evidence to date, this variant is likely to be pathogenic.

Labcorp Genetics (formerly Invitae), Labcorp
Classification: Uncertain significance for Gastrointestinal stromal tumor; Pheochromocytoma/paraganglioma syndrome 4; Pheochromocytoma. Last evaluated: 2023-01-29. Review status: criteria provided, single submitter. Criteria: Invitae Variant Classification Sherloc (09022015). Collection method: clinical testing. Allele origin: germline.
Comment: In summary, the available evidence is currently insufficient to determine the role of this variant in disease. Therefore, it has been classified as a Variant of Uncertain Significance. This variant disrupts the Cys68 amino acid residue in SDHB. Other variant(s) that disrupt this residue have been determined to be pathogenic (PMID: 19576851, 21520333, 22492777, 22517557, 27279923, 30877234; Invitae). This suggests that this residue is clinically significant, and that variants that disrupt this residue are likely to be disease-causing. Algorithms developed to predict the effect of missense changes on protein structure and function (SIFT, PolyPhen-2, Align-GVGD) all suggest that this variant is likely to be disruptive. ClinVar contains an entry for this variant (Variation ID: 1362008). This missense change has been observed in individual(s) with paraganglioma (Invitae). This variant is not present in population databases (gnomAD no frequency). This sequence change replaces cysteine, which is neutral and slightly polar, with arginine, which is basic and polar, at codon 68 of the SDHB protein (p.Cys68Arg).

Literature cited by the submitters: PubMed 19576851 (cited by Labcorp Genetics (formerly Invitae), Labcorp); PubMed 21520333 (cited by Labcorp Genetics (formerly Invitae), Labcorp); PubMed 22492777 (cited by Labcorp Genetics (formerly Invitae), Labcorp); PubMed 22517557 (cited by Labcorp Genetics (formerly Invitae), Labcorp); PubMed 27279923 (cited by Labcorp Genetics (formerly Invitae), Labcorp); PubMed 30877234 (cited by Labcorp Genetics (formerly Invitae), Labcorp).

NM_003000.3(SDHB):c.202T>C (p.Cys68Arg)

Gene: SDHB (succinate dehydrogenase complex iron sulfur subunit B; minus strand). Cytogenetic location: 1p36.13.
Variant type: single nucleotide variant.
Coding change: c.202T>C on transcript NM_003000.3 (MANE Select); coding-DNA position 202, T replaced by C.
Protein change: p.Cys68Arg; replaces cysteine 68 with arginine.
Molecular consequence: missense variant.
Genome position (GRCh38, 1-based): chr1:17,033,144, A>G on the plus strand (T>C on the coding strand, the complement: SDHB is on the minus strand). VCF-style: chr1-17033144-A-G. GRCh37 (hg19) VCF-style: chr1-17359639-A-G.
Other names: c.202T>C (NM_003000.2); short protein forms C68R.
Identifiers: ClinVar variation 1362008 (VCV001362008.7), dbSNP rs2101529119, ClinGen allele CA338276644.